The following is an entry in ClinVar:

ClinVar aggregate classification (germline): Uncertain significance. Review status: criteria provided, multiple submitters, no conflicts (2 of 4 stars). 2 submissions from 2 submitters: Uncertain significance (2). Last evaluated 2024-11-17.

Allele frequency attached by ClinVar (database versions not stated): gnomAD 0.00001; gnomAD exomes 0.00001.

Submissions (2):

Labcorp Genetics (formerly Invitae), Labcorp
Classification: Uncertain significance. Last evaluated: 2024-11-17. Review status: criteria provided, single submitter. Criteria: Invitae Variant Classification Sherloc (09022015). Collection method: clinical testing. Allele origin: germline.
Comment: This sequence change replaces glycine, which is neutral and non-polar, with cysteine, which is neutral and slightly polar, at codon 400 of the KCNC3 protein (p.Gly400Cys). This variant is present in population databases (no rsID available, gnomAD 0.009%). This variant has not been reported in the literature in individuals affected with KCNC3-related conditions. ClinVar contains an entry for this variant (Variation ID: 1806878). Invitae Evidence Modeling of protein sequence and biophysical properties (such as structural, functional, and spatial information, amino acid conservation, physicochemical variation, residue mobility, and thermodynamic stability) indicates that this missense variant is expected to disrupt KCNC3 protein function with a positive predictive value of 95%. In summary, the available evidence is currently insufficient to determine the role of this variant in disease. Therefore, it has been classified as a Variant of Uncertain Significance.

Athena Diagnostics
Classification: Uncertain significance. Last evaluated: 2021-07-07. Review status: criteria provided, single submitter. Criteria: Athena Diagnostics Criteria. Collection method: clinical testing. Allele origin: unknown.

NM_004977.3(KCNC3):c.1198G>T (p.Gly400Cys)

Gene: KCNC3 (potassium voltage-gated channel subfamily C member 3; minus strand). Cytogenetic location: 19q13.33.
Variant type: single nucleotide variant.
Coding change: c.1198G>T on transcript NM_004977.3 (MANE Select); coding-DNA position 1198, G replaced by T.
Protein change: p.Gly400Cys; replaces glycine 400 with cysteine.
Molecular consequence: missense variant.
Genome position (GRCh38, 1-based): chr19:50,323,755, C>A on the plus strand (G>T on the coding strand, the complement: KCNC3 is on the minus strand). VCF-style: chr19-50323755-C-A. GRCh37 (hg19) VCF-style: chr19-50827012-C-A.
Other names: c.970G>T, p.Gly324Cys (NM_001372305.1); short protein forms G324C, G400C.
Identifiers: ClinVar variation 1806878 (VCV001806878.3), dbSNP rs1353920127, ClinGen allele CA406952270.